The following is an entry in ClinVar:

ClinVar aggregate classification (germline): Uncertain significance. Review status: criteria provided, multiple submitters, no conflicts (2 of 4 stars). 2 submissions from 2 submitters: Uncertain significance (2). Last evaluated 2026-01-12.

Allele frequency attached by ClinVar (database versions not stated): gnomAD 0.00001; TOPMed 0.00001; ExAC 0.00002; gnomAD exomes 0.00002.
gnomAD v4.1: 8 of 1,613,722 alleles (0.0005%); highest among the groups gnomAD compares: Admixed American, 0.01%; no homozygotes.

Submissions (2):

Labcorp Genetics (formerly Invitae), Labcorp
Classification: Uncertain significance. Last evaluated: 2026-01-12. Review status: criteria provided, single submitter. Criteria: Invitae Variant Classification Sherloc (09022015). Collection method: clinical testing. Allele origin: germline.
Comment: This sequence change replaces arginine, which is basic and polar, with tryptophan, which is neutral and slightly polar, at codon 26 of the NEK2 protein (p.Arg26Trp). This variant is present in population databases (rs370861680, gnomAD 0.01%). This variant has not been reported in the literature in individuals affected with NEK2-related conditions. ClinVar contains an entry for this variant (Variation ID: 1367240). An algorithm developed to predict the effect of missense changes on protein structure and function (PolyPhen-2) suggests that this variant is likely to be disruptive. In summary, the available evidence is currently insufficient to determine the role of this variant in disease. Therefore, it has been classified as a Variant of Uncertain Significance.

Blueprint Genetics
Classification: Uncertain significance. Last evaluated: 2022-09-21. Review status: criteria provided, single submitter. Criteria: ACMG Guidelines, 2015. Collection method: clinical testing. Allele origin: germline.

NM_002497.4(NEK2):c.76C>T (p.Arg26Trp)

Genes: NEK2 (NIMA related kinase 2; minus strand), LOC129932452 (ATAC-STARR-seq lymphoblastoid active region 2489; plus strand). Cytogenetic location: 1q32.3.
Variant type: single nucleotide variant.
Coding change: c.76C>T on transcript NM_002497.4 (MANE Select); coding-DNA position 76, C replaced by T.
Protein change: p.Arg26Trp; replaces arginine 26 with tryptophan.
Molecular consequence: missense variant.
Genome position (GRCh38, 1-based): chr1:211,675,404, G>A on the plus strand (C>T on the coding strand, the complement: NEK2 is on the minus strand). VCF-style: chr1-211675404-G-A. GRCh37 (hg19) VCF-style: chr1-211848746-G-A.
Other names: c.76C>T, p.Arg26Trp (NM_001204182.2, NM_001204183.2); short protein forms R26W.
Identifiers: ClinVar variation 1367240 (VCV001367240.9), dbSNP rs370861680, ClinGen allele CA1381771.
Genomic context (GRCh38, chr1:211,675,404, plus strand): 5'-ACCTAAGCAGGGGCAGGCGCAGGGTAGGTCCCACGCTCACCTTGCCATCACTCTTCCTCC[G>A]GATCTTCTGGCAGCGGCCGTAGGAGCCTGTGCCAATGGTGTACAACACTTCATAGTCCTC-3'
Protein context (NP_002488.1, residues 16-36): TGSYGRCQKI[Arg26Trp]RKSDGKILVW